The following is an entry in ClinVar:

NM_021625.5(TRPV4):c.1491A>C (p.Thr497=)

Gene: TRPV4 (transient receptor potential cation channel subfamily V member 4; minus strand). Cytogenetic location: 12q24.11.
Variant type: single nucleotide variant.
Coding change: c.1491A>C on transcript NM_021625.5 (MANE Select); coding-DNA position 1491, A replaced by C.
Protein change: p.Thr497=; no amino-acid change (threonine 497 retained).
Molecular consequence: synonymous variant.
Genome position (GRCh38, 1-based): chr12:109,794,329, T>G on the plus strand (A>C on the coding strand, the complement: TRPV4 is on the minus strand). VCF-style: chr12-109794329-T-G. GRCh37 (hg19) VCF-style: chr12-110232134-T-G.
Other names: c.1389A>C, p.Thr463= (NM_001177431.2); c.1170A>C, p.Thr390= (NM_001177433.2); c.1311A>C, p.Thr437= (NM_147204.3); c.1350A>C, p.Thr450= (NM_001177428.2).
Identifiers: ClinVar variation 1970163 (VCV001970163.5), dbSNP rs2548731758, ClinGen allele CA481716496.
Genomic context (GRCh38, chr12:109,794,329, plus strand): 5'-AGTCCTGCATGGCTCAGCCCAGTGCCTGCCCCAGCCCCTGCCCGGTCCCCGGGCACTCAC[T>G]GTGCCCTCCAGCGGCTGGTAGTAGGCGGTGAGAGTGAAGATGACCATGGCACACAGGTAG-3'
Protein context (NP_067638.3, residues 487-507): LTAYYQPLEG[Thr497=]PPYPYRTTVD

ClinVar aggregate classification (germline): Uncertain significance (1 of 4 stars; one submission).

Conditions:
Charcot-Marie-Tooth disease axonal type 2C (HMSN2C). Also called: Charcot-Marie-Tooth Disease Type 2, TRPV4-Related (CMT2C); CHARCOT-MARIE-TOOTH DISEASE, AXONAL, AUTOSOMAL DOMINANT, TYPE 2C; Charcot-Marie-Tooth Neuropathy Type 2C. Identifiers: Orphanet 99937, MedGen C1853710, MONDO:0011633, OMIM 606071.

Submission:

Labcorp Genetics (formerly Invitae), Labcorp
Classification: Uncertain significance for Charcot-Marie-Tooth disease axonal type 2C. Last evaluated: 2025-01-13. Review status: criteria provided, single submitter. Criteria: Invitae Variant Classification Sherloc (09022015). Collection method: clinical testing. Allele origin: germline.
Comment: This sequence change affects codon 497 of the TRPV4 mRNA. It is a 'silent' change, meaning that it does not change the encoded amino acid sequence of the TRPV4 protein. It affects a nucleotide within the consensus splice site. This variant is not present in population databases (gnomAD no frequency). This variant has not been reported in the literature in individuals affected with TRPV4-related conditions. ClinVar contains an entry for this variant (Variation ID: 1970163). Algorithms developed to predict the effect of sequence changes on RNA splicing suggest that this variant is not likely to affect RNA splicing. In summary, the available evidence is currently insufficient to determine the role of this variant in disease. Therefore, it has been classified as a Variant of Uncertain Significance.